The following is an entry in ClinVar:

ClinVar aggregate classification (germline): Benign/Likely benign. Review status: criteria provided, multiple submitters, no conflicts (2 of 4 stars). 4 submissions from 4 submitters: Benign (2); Likely benign (2). Last evaluated 2026-01-24.

Allele frequency attached by ClinVar (database versions not stated): 1000 Genomes Project 30x 0.00016; 1000 Genomes Project 0.00020; TOPMed 0.00048; ESP Exome Variant Server 0.00062; gnomAD 0.00066; gnomAD exomes 0.00072; ExAC 0.00083.
gnomAD v4.1: 1,158 of 1,613,982 alleles (0.072%); highest among the groups gnomAD compares: Non-Finnish European, 0.087%; 1 homozygote.

Submissions (4):

Labcorp Genetics (formerly Invitae), Labcorp
Classification: Benign. Last evaluated: 2026-01-24. Review status: criteria provided, single submitter. Criteria: Invitae Variant Classification Sherloc (09022015). Collection method: clinical testing. Allele origin: germline.

Women's Health and Genetics/Laboratory Corporation of America, LabCorp
Classification: Benign. Last evaluated: 2025-03-28. Review status: criteria provided, single submitter. Criteria: LabCorp Variant Classification Summary - May 2015. Collection method: clinical testing. Allele origin: germline.

Blueprint Genetics
Classification: Likely benign. Last evaluated: 2024-10-24. Review status: criteria provided, single submitter. Criteria: ACMG Guidelines, 2015. Collection method: clinical testing. Allele origin: germline.

CeGaT Center for Human Genetics Tuebingen
Classification: Likely benign. Last evaluated: 2023-10-01. Review status: criteria provided, single submitter. Criteria: CeGaT Center For Human Genetics Tuebingen Variant Classification Criteria Version 2. Collection method: clinical testing. Allele origin: germline. Affected: yes. Observed: 3 variant alleles.
Comment: ALPK1: BP4, BP7

NM_025144.4(ALPK1):c.489A>G (p.Lys163=)

Gene: ALPK1 (alpha kinase 1; plus strand). Cytogenetic location: 4q25.
Variant type: single nucleotide variant.
Coding change: c.489A>G on transcript NM_025144.4 (MANE Select); coding-DNA position 489, A replaced by G.
Protein change: p.Lys163=; no amino-acid change (lysine 163 retained).
Molecular consequence: synonymous variant.
Genome position (GRCh38, 1-based): chr4:112,423,957, A>G. VCF-style: chr4-112423957-A-G. GRCh37 (hg19) VCF-style: chr4-113345113-A-G.
Other names: c.489A>G, p.Lys163= (NM_001102406.2); c.255A>G, p.Lys85= (NM_001253884.2).
Identifiers: ClinVar variation 2054161 (VCV002054161.30), dbSNP rs138427105, ClinGen allele CA3046424.